The following is an entry in ClinVar:

ClinVar aggregate classification (germline): Uncertain significance (1 of 4 stars; one submission).

Conditions:
Developmental and epileptic encephalopathy, 42 (DEE42A). Also called: DEVELOPMENTAL AND EPILEPTIC ENCEPHALOPATHY 42A; EPILEPTIC ENCEPHALOPATHY, EARLY INFANTILE, 42A; Epileptic encephalopathy, early infantile, 42. Identifiers: MedGen C4310716, MONDO:0014917, OMIM 617106.
Episodic ataxia type 2 (EA2). Also called: ACETAZOLAMIDE-RESPONSIVE HEREDITARY PAROXYSMAL CEREBELLAR ATAXIA; ATAXIA, EPISODIC, WITH NYSTAGMUS; ATAXIA, FAMILIAL PAROXYSMAL; CEREBELLAR ATAXIA, PAROXYSMAL, ACETAZOLAMIDE-RESPONSIVE; CEREBELLOPATHY, HEREDITARY PAROXYSMAL; EPISODIC ATAXIA, NYSTAGMUS-ASSOCIATED. Identifiers: Orphanet 97, MedGen C1720416, MONDO:0007163, OMIM 108500.

Submission:

Labcorp Genetics (formerly Invitae), Labcorp
Classification: Uncertain significance for Developmental and epileptic encephalopathy, 42; Episodic ataxia type 2. Last evaluated: 2021-12-27. Review status: criteria provided, single submitter. Criteria: Invitae Variant Classification Sherloc (09022015). Collection method: clinical testing. Allele origin: germline.
Comment: This variant has not been reported in the literature in individuals affected with CACNA1A-related conditions. Advanced modeling of protein sequence and biophysical properties (such as structural, functional, and spatial information, amino acid conservation, physicochemical variation, residue mobility, and thermodynamic stability) performed at Invitae indicates that this missense variant is not expected to disrupt CACNA1A protein function. In summary, the available evidence is currently insufficient to determine the role of this variant in disease. Therefore, it has been classified as a Variant of Uncertain Significance. This variant is not present in population databases (gnomAD no frequency). This sequence change replaces glutamine, which is neutral and polar, with leucine, which is neutral and non-polar, at codon 2187 of the CACNA1A protein (p.Gln2187Leu).

NM_001127222.2(CACNA1A):c.6557A>T (p.Gln2186Leu)

Gene: CACNA1A (calcium voltage-gated channel subunit alpha1 A; minus strand). Cytogenetic location: 19p13.13.
Variant type: single nucleotide variant.
Coding change: c.6557A>T on transcript NM_001127222.2 (MANE Select); coding-DNA position 6557, A replaced by T.
Protein change: p.Gln2186Leu; replaces glutamine 2186 with leucine.
Molecular consequence: missense variant.
Genome position (GRCh38, 1-based): chr19:13,208,979, T>A on the plus strand (A>T on the coding strand, the complement: CACNA1A is on the minus strand). VCF-style: chr19-13208979-T-A. GRCh37 (hg19) VCF-style: chr19-13319793-T-A.
Other names: c.6575A>T, p.Gln2192Leu (NM_000068.4, NM_023035.3); c.6560A>T, p.Gln2187Leu (NM_001127221.2); c.6566A>T, p.Gln2189Leu (NM_001174080.2); short protein forms Q2186L, Q2189L, Q2187L, Q2192L.
Identifiers: ClinVar variation 2063114 (VCV002063114.4), dbSNP rs2512517047, ClinGen allele CA404330633.